The following is an entry in ClinVar:

ClinVar aggregate classification (germline): Uncertain significance (1 of 4 stars; one submission).

Conditions:
Symmetrical dyschromatosis of extremities (DSH). Also called: DYSCHROMATOSIS SYMMETRICA HEREDITARIA 1; RETICULATE ACROPIGMENTATION OF DOHI; SYMMETRIC DYSCHROMATOSIS OF THE EXTREMITIES; Dyschromatosis symmetrica hereditaria. Identifiers: Orphanet 41, MedGen C0406775, MONDO:0007483, OMIM 127400.
Aicardi-Goutieres syndrome 6 (AGS6). Identifiers: Orphanet 51, MedGen C3539013, MONDO:0014007, OMIM 615010.

gnomAD v4.1: 2 of 1,614,186 alleles (0.00012%); highest among the groups gnomAD compares: Non-Finnish European, 0.000085%; no homozygotes.

Submission:

Labcorp Genetics (formerly Invitae), Labcorp
Classification: Uncertain significance for Aicardi-Goutieres syndrome 6; Symmetrical dyschromatosis of extremities. Last evaluated: 2025-03-20. Review status: criteria provided, single submitter. Criteria: Invitae Variant Classification Sherloc (09022015). Collection method: clinical testing. Allele origin: germline.
Comment: This sequence change replaces leucine, which is neutral and non-polar, with valine, which is neutral and non-polar, at codon 144 of the ADAR protein (p.Leu144Val). This variant is present in population databases (no rsID available, gnomAD 0.0009%). This variant has not been reported in the literature in individuals affected with ADAR-related conditions. An algorithm developed to predict the effect of missense changes on protein structure and function (PolyPhen-2) suggests that this variant is likely to be disruptive. In summary, the available evidence is currently insufficient to determine the role of this variant in disease. Therefore, it has been classified as a Variant of Uncertain Significance.

NM_001111.5(ADAR):c.430T>G (p.Leu144Val)

Gene: ADAR (adenosine deaminase RNA specific; minus strand). Cytogenetic location: 1q21.3.
Variant type: single nucleotide variant.
Coding change: c.430T>G on transcript NM_001111.5 (MANE Select); coding-DNA position 430, T replaced by G.
Protein change: p.Leu144Val; replaces leucine 144 with valine.
Molecular consequence: missense variant. On other transcripts: 5 prime UTR variant (6).
Genome position (GRCh38, 1-based): chr1:154,602,212, A>C on the plus strand (T>G on the coding strand, the complement: ADAR is on the minus strand). VCF-style: chr1-154602212-A-C. GRCh37 (hg19) VCF-style: chr1-154574688-A-C.
Other names: c.-456T>G (NM_001025107.3, NM_001193495.2, NM_001365046.1 and 3 more transcripts); c.457T>G, p.Leu153Val (NM_001365045.1); c.430T>G, p.Leu144Val (NM_015840.4, NM_015841.4); short protein forms L144V, L153V.
Identifiers: ClinVar variation 4787523 (VCV004787523.1).